The following is an entry in ClinVar:

NM_003839.4(TNFRSF11A):c.1606A>G (p.Ser536Gly)

Gene: TNFRSF11A (TNF receptor superfamily member 11a; plus strand). Cytogenetic location: 18q21.33.
Variant type: single nucleotide variant.
Coding change: c.1606A>G on transcript NM_003839.4 (MANE Select); coding-DNA position 1606, A replaced by G.
Protein change: p.Ser536Gly; replaces serine 536 with glycine.
Molecular consequence: missense variant. On other transcripts: 3 prime UTR variant (1).
Genome position (GRCh38, 1-based): chr18:62,384,789, A>G. VCF-style: chr18-62384789-A-G. GRCh37 (hg19) VCF-style: chr18-60052022-A-G.
Other names: c.*30A>G (NM_001270949.2); c.769A>G, p.Ser257Gly (NM_001270950.2); c.655A>G, p.Ser219Gly (NM_001270951.2); c.1564A>G, p.Ser522Gly (NM_001278268.2); short protein forms S219G, S257G, S522G, S536G.
Identifiers: ClinVar variation 1716587 (VCV001716587.5), dbSNP rs2511620524, ClinGen allele CA402619823.
Genomic context (GRCh38, chr18:62,384,789, plus strand): 5'-TTCTCCCTTCCTCTCCCCGCAGGAAATGTGACTGGAAACAGTAACTCCACGTTCATCTCC[A>G]GCGGGCAGGTGATGAACTTCAAGGGCGACATCATCGTGGTCTACGTCAGCCAGACCTCGC-3'
Protein context (NP_003830.1, residues 526-546): TGNSNSTFIS[Ser536Gly]GQVMNFKGDI

ClinVar aggregate classification (germline): Uncertain significance (1 of 4 stars; one submission).

Submission:

Labcorp Genetics (formerly Invitae), Labcorp
Classification: Uncertain significance. Last evaluated: 2022-08-17. Review status: criteria provided, single submitter. Criteria: Invitae Variant Classification Sherloc (09022015). Collection method: clinical testing. Allele origin: germline.
Comment: In summary, the available evidence is currently insufficient to determine the role of this variant in disease. Therefore, it has been classified as a Variant of Uncertain Significance. This sequence change replaces serine, which is neutral and polar, with glycine, which is neutral and non-polar, at codon 536 of the TNFRSF11A protein (p.Ser536Gly). This variant is not present in population databases (gnomAD no frequency). This variant has not been reported in the literature in individuals affected with TNFRSF11A-related conditions. Algorithms developed to predict the effect of missense changes on protein structure and function are either unavailable or do not agree on the potential impact of this missense change (SIFT: "Deleterious"; PolyPhen-2: "Probably Damaging"; Align-GVGD: "Class C0").